The following is an entry in ClinVar:

NM_022437.3(ABCG8):c.1756+6G>T

Gene: ABCG8 (ATP binding cassette subfamily G member 8; plus strand). Cytogenetic location: 2p21.
Variant type: single nucleotide variant.
Coding change: c.1756+6G>T on transcript NM_022437.3 (MANE Select); 6 bases into the intron after coding-DNA position 1756, G replaced by T.
Molecular consequence: intron variant.
Genome position (GRCh38, 1-based): chr2:43,875,419, G>T. VCF-style: chr2-43875419-G-T. GRCh37 (hg19) VCF-style: chr2-44102558-G-T.
Other names: c.1756+6G>T (NM_022437.2); c.1753+6G>T (NM_001357321.2).
Identifiers: ClinVar variation 593515 (VCV000593515.12), dbSNP rs375563605, ClinGen allele CA1637618.
Genomic context (GRCh38, chr2:43,875,419, plus strand): 5'-AACTCCTTCTACCTCGCCGGGGGCTTCATGATAAACTTGAGCAGCCTGTGGACAGGTAAG[G>T]CCTGCCCCCGGGGCCTGGGCCAGCTTTGTTAGGACTCATGTGACTGGATGAAGCCTGCTT-3'

ClinVar aggregate classification (germline): Uncertain significance. Review status: criteria provided, multiple submitters, no conflicts (2 of 4 stars). 4 submissions from 4 submitters: Uncertain significance (3). 1 of the submissions does not count toward it. Last evaluated 2026-08-08.

Conditions:
ABCG8-related disorder. Also called: ABCG8-related condition.
Cardiovascular phenotype. Identifiers: MedGen CN230736.

Allele frequency attached by ClinVar (database versions not stated): TOPMed 0.00011; 1000 Genomes Project 0.00020; 1000 Genomes Project 30x 0.00031.
gnomAD v4.1: 92 of 1,611,648 alleles (0.0057%); highest among the groups gnomAD compares: Admixed American, 0.058%; no homozygotes.

Submissions (4):

Ambry Genetics
Classification: Uncertain significance for Cardiovascular phenotype. Last evaluated: 2026-08-08. Review status: criteria provided, single submitter. Criteria: Ambry Variant Classification Scheme 2023. Collection method: clinical testing. Allele origin: germline.
Comment: The c.1756+6G>T intronic alteration consists of a G to T substitution nucleotides after coding exon 11 in the ABCG8 gene. Based on data from gnomAD, the T allele has an overall frequency of 0.009% (23/248226) total alleles studied. The highest observed frequency was 0.046% (16/34524) of Latino alleles. Based on insufficient or conflicting evidence, the clinical significance of this alteration remains unclear.

Labcorp Genetics (formerly Invitae), Labcorp
Classification: Uncertain significance. Last evaluated: 2021-08-28. Review status: criteria provided, single submitter. Criteria: Invitae Variant Classification Sherloc (09022015). Collection method: clinical testing. Allele origin: germline.
Comment: This sequence change falls in intron 11 of the ABCG8 gene. It does not directly change the encoded amino acid sequence of the ABCG8 protein. It affects a nucleotide within the consensus splice site of the intron. This variant is present in population databases (rs375563605, ExAC 0.05%). This variant has not been reported in the literature in individuals affected with ABCG8-related conditions. ClinVar contains an entry for this variant (Variation ID: 593515). Variants that disrupt the consensus splice site are a relatively common cause of aberrant splicing (PMID: 17576681, 9536098). Algorithms developed to predict the effect of sequence changes on RNA splicing suggest that this variant is not likely to affect RNA splicing. In summary, the available evidence is currently insufficient to determine the role of this variant in disease. Therefore, it has been classified as a Variant of Uncertain Significance.

Eurofins Ntd Llc (ga)
Classification: Uncertain significance. Last evaluated: 2017-08-04. Review status: criteria provided, single submitter. Criteria: EGL Classification Definitions 2015. Collection method: clinical testing. Allele origin: germline. Observed: 1 variant allele, 1 heterozygote.

PreventionGenetics, part of Exact Sciences
Classification: Likely benign for ABCG8-related condition. Last evaluated: 2023-10-20. Review status: no assertion criteria provided. Collection method: clinical testing. Allele origin: germline. Not counted in ClinVar's aggregate classification.
Comment: This variant is classified as likely benign based on ACMG/AMP sequence variant interpretation guidelines (Richards et al. 2015 PMID: 25741868, with internal and published modifications).

Literature cited by the submitters: PubMed 17576681 (cited by Labcorp Genetics (formerly Invitae), Labcorp); PubMed 9536098 (cited by Labcorp Genetics (formerly Invitae), Labcorp).